The following is an entry in ClinVar:

NM_005235.3(ERBB4):c.502C>T (p.Arg168Trp)

Gene: ERBB4 (erb-b2 receptor tyrosine kinase 4; minus strand). Cytogenetic location: 2q34.
Variant type: single nucleotide variant.
Coding change: c.502C>T on transcript NM_005235.3 (MANE Select); coding-DNA position 502, C replaced by T.
Protein change: p.Arg168Trp; replaces arginine 168 with tryptophan.
Molecular consequence: missense variant.
Genome position (GRCh38, 1-based): chr2:211,788,079, G>A on the plus strand (C>T on the coding strand, the complement: ERBB4 is on the minus strand). VCF-style: chr2-211788079-G-A. GRCh37 (hg19) VCF-style: chr2-212652804-G-A.
Other names: c.502C>T, p.Arg168Trp (NM_001042599.2); short protein forms R168W.
Identifiers: ClinVar variation 2188669 (VCV002188669.4), dbSNP rs138433638, ClinGen allele CA2088422.

ClinVar aggregate classification (germline): Uncertain significance (1 of 4 stars; one submission).

Allele frequency attached by ClinVar (database versions not stated): gnomAD 0.00001; ExAC 0.00002; gnomAD exomes 0.00002; TOPMed 0.00002; 1000 Genomes Project 30x 0.00016; 1000 Genomes Project 0.00020.
gnomAD v4.1: 37 of 1,612,816 alleles (0.0023%); highest among the groups gnomAD compares: Non-Finnish European, 0.0029%; no homozygotes.

Submission:

Labcorp Genetics (formerly Invitae), Labcorp
Classification: Uncertain significance. Last evaluated: 2022-09-20. Review status: criteria provided, single submitter. Criteria: Invitae Variant Classification Sherloc (09022015). Collection method: clinical testing. Allele origin: germline.
Comment: This sequence change replaces arginine, which is basic and polar, with tryptophan, which is neutral and slightly polar, at codon 168 of the ERBB4 protein (p.Arg168Trp). In summary, the available evidence is currently insufficient to determine the role of this variant in disease. Therefore, it has been classified as a Variant of Uncertain Significance. Advanced modeling of protein sequence and biophysical properties (such as structural, functional, and spatial information, amino acid conservation, physicochemical variation, residue mobility, and thermodynamic stability) performed at Invitae indicates that this missense variant is not expected to disrupt ERBB4 protein function. This variant has not been reported in the literature in individuals affected with ERBB4-related conditions. This variant is present in population databases (rs138433638, gnomAD 0.004%).